The following is an entry in ClinVar:

NM_006950.3(SYN1):c.2023C>T (p.Pro675Ser)

Gene: SYN1 (synapsin I; minus strand). Cytogenetic location: Xp11.3.
Variant type: single nucleotide variant.
Coding change: c.2023C>T on transcript NM_006950.3 (MANE Select); coding-DNA position 2023, C replaced by T.
Protein change: p.Pro675Ser; replaces proline 675 with serine.
Molecular consequence: missense variant.
Genome position (GRCh38, 1-based): chrX:47,572,959, G>A on the plus strand (C>T on the coding strand, the complement: SYN1 is on the minus strand). VCF-style: chrX-47572959-G-A. GRCh37 (hg19) VCF-style: chrX-47432358-G-A.
Other names: c.1985C>T, p.Ala662Val (NM_133499.2); short protein forms A662V, P675S.
Identifiers: ClinVar variation 1007809 (VCV001007809.13), dbSNP rs2057764675, ClinGen allele CA412820650.
Genomic context (GRCh38, chrX:47,572,959, plus strand): 5'-GGCTGCGGATGGTCTCAGCTTTCACCTCGTCCTGGCTAAGGCTGGGCCTGGGCGGGGCTG[G>A]CTCTGGAAGGTTGAAGGCATTGGTCAGAGACTGGGATTTGCTAGAGAGAGACAAGGTGGA-3'
Protein context (NP_008881.2, residues 665-685): SLTNAFNLPE[Pro675Ser]APPRPSLSQD

ClinVar aggregate classification (germline): Uncertain significance (1 of 4 stars; one submission).

Conditions:
Epilepsy, X-linked 1, with variable learning disabilities and behavior disorders. Also called: X-linked epilepsy-learning disabilities-behavior disorders syndrome. Identifiers: Orphanet 85294, MedGen C5774177, MONDO:0010339, OMIM 300491.

Allele frequency attached by ClinVar (database versions not stated): TOPMed below 0.00001; gnomAD 0.00001.

Submission:

Labcorp Genetics (formerly Invitae), Labcorp
Classification: Uncertain significance for Epilepsy, X-linked 1, with variable learning disabilities and behavior disorders. Last evaluated: 2022-11-15. Review status: criteria provided, single submitter. Criteria: Invitae Variant Classification Sherloc (09022015). Collection method: clinical testing. Allele origin: germline.
Comment: In summary, the available evidence is currently insufficient to determine the role of this variant in disease. Therefore, it has been classified as a Variant of Uncertain Significance. Algorithms developed to predict the effect of missense changes on protein structure and function are either unavailable or do not agree on the potential impact of this missense change (SIFT: "Deleterious"; PolyPhen-2: "Not Available"; Align-GVGD: "Class C0"). ClinVar contains an entry for this variant (Variation ID: 1007809). This variant has not been reported in the literature in individuals affected with SYN1-related conditions. This variant is not present in population databases (gnomAD no frequency). This sequence change replaces alanine, which is neutral and non-polar, with valine, which is neutral and non-polar, at codon 662 of the SYN1 protein (p.Ala662Val).